The following is an entry in ClinVar:

ClinVar aggregate classification (germline): Uncertain significance (1 of 4 stars; one submission).

Submission:

GeneDx
Classification: Uncertain significance. Last evaluated: 2024-05-20. Review status: criteria provided, single submitter. Criteria: GeneDx Variant Classification Process June 2021. Collection method: clinical testing. Allele origin: germline. Affected: yes.
Comment: Not observed at significant frequency in large population cohorts (gnomAD); Has not been previously published as pathogenic or benign to our knowledge; Nonsense variant predicted to result in protein truncation or nonsense mediated decay in a gene for which loss-of-function is not an established mechanism of disease

NM_181675.4(PPP2R2B):c.196G>T (p.Glu66Ter)

Gene: PPP2R2B (protein phosphatase 2 regulatory subunit Bbeta; minus strand). Cytogenetic location: 5q32.
Variant type: single nucleotide variant.
Coding change: c.196G>T on transcript NM_181675.4 (MANE Select); coding-DNA position 196, G replaced by T.
Protein change: p.Glu66Ter; replaces glutamic acid 66 with a stop codon.
Molecular consequence: nonsense. On other transcripts: non-coding transcript variant (2).
Genome position (GRCh38, 1-based): chr5:146,698,117, C>A on the plus strand (G>T on the coding strand, the complement: PPP2R2B is on the minus strand). VCF-style: chr5-146698117-C-A. GRCh37 (hg19) VCF-style: chr5-146077680-C-A.
Other names: c.214G>T, p.Glu72Ter (NM_001271899.1); c.370G>T, p.Glu124Ter (NM_001271900.2); c.163G>T, p.Glu55Ter (NM_001271948.2, NM_181678.2); c.394G>T, p.Glu132Ter (NM_181674.3); c.205G>T, p.Glu69Ter (NM_181676.3); c.136G>T, p.Glu46Ter (NM_181677.2); short protein forms E124*, E132*, E46*, E55*, E66*, E69*, E72*.
Identifiers: ClinVar variation 1313011 (VCV001313011.3), dbSNP rs2151162884, ClinGen allele CA361881879.